The following is an entry in ClinVar:

NM_001367624.2(ZNF469):c.9935C>A (p.Ser3312Tyr)

Gene: ZNF469 (zinc finger protein 469; plus strand). Cytogenetic location: 16q24.2.
Variant type: single nucleotide variant.
Coding change: c.9935C>A on transcript NM_001367624.2 (MANE Select); coding-DNA position 9935, C replaced by A.
Protein change: p.Ser3312Tyr; replaces serine 3312 with tyrosine.
Molecular consequence: missense variant.
Genome position (GRCh38, 1-based): chr16:88,437,405, C>A. VCF-style: chr16-88437405-C-A. GRCh37 (hg19) VCF-style: chr16-88503813-C-A.
Other names: NM_001127464.1:c.9851C>A; NM_001127464.2:c.9851C>A; short protein forms S3312Y.
Identifiers: ClinVar variation 1768402 (VCV001768402.3), dbSNP rs960368050, ClinGen allele CA286385964.
Genomic context (GRCh38, chr16:88,437,405, plus strand): 5'-CTGCCACCGCCCTGGCTGACGCCGGCAGCCCGGGCCCCCCCAGGACGACCCCCAGCCCGT[C>A]CCCCGACCCCTGGGCCGGCGGGGAGCCCCTCCTGCAAGCCACCCCGGTGCACGAGGCCTG-3'
Protein context (NP_001354553.1, residues 3302-3322): PGPPRTTPSP[Ser3312Tyr]PDPWAGGEPL

ClinVar aggregate classification (germline): Uncertain significance. Review status: criteria provided, single submitter (1 of 4 stars). 2 submissions from 2 submitters: Uncertain significance (1). 1 of the submissions does not count toward it. Last evaluated 2021-08-10.

Conditions:
Cardiovascular phenotype. Identifiers: MedGen CN230736.
ZNF469-related disorder. Also called: ZNF469-related condition.

Allele frequency attached by ClinVar (database versions not stated): TOPMed 0.00001.
gnomAD v4.1: 2 of 1,526,810 alleles (0.00013%); highest among the groups gnomAD compares: East Asian, 0.0025%; no homozygotes.

Submissions (2):

Ambry Genetics
Classification: Uncertain significance for Cardiovascular phenotype. Last evaluated: 2021-08-10. Review status: criteria provided, single submitter. Criteria: Ambry Variant Classification Scheme 2023. Collection method: clinical testing. Allele origin: germline.
Comment: The p.S3284Y variant (also known as c.9851C>A), located in coding exon 2 of the ZNF469 gene, results from a C to A substitution at nucleotide position 9851. The serine at codon 3284 is replaced by tyrosine, an amino acid with dissimilar properties. This amino acid position is conserved. In addition, this alteration is predicted to be tolerated by in silico analysis. Since supporting evidence is limited at this time, the clinical significance of this alteration remains unclear.

PreventionGenetics, part of Exact Sciences
Classification: Uncertain significance for ZNF469-related condition. Last evaluated: 2024-07-17. Review status: no assertion criteria provided. Collection method: clinical testing. Allele origin: germline. Not counted in ClinVar's aggregate classification.
Comment: The ZNF469 c.9851C>A variant is predicted to result in the amino acid substitution p.Ser3284Tyr. To our knowledge, this variant has not been reported in the literature or in a large population database, indicating this variant is rare. At this time, the clinical significance of this variant is uncertain due to the absence of conclusive functional and genetic evidence.